The following is an entry in ClinVar:

ClinVar aggregate classification (germline): Uncertain significance (1 of 4 stars; one submission).

Allele frequency attached by ClinVar (database versions not stated): gnomAD exomes below 0.00001; ExAC 0.00001.
gnomAD v4.1: 1 of 1,614,226 alleles (0.000062%); highest among the groups gnomAD compares: African/African-American, 0.0013%; no homozygotes.

Submission:

Labcorp Genetics (formerly Invitae), Labcorp
Classification: Uncertain significance. Last evaluated: 2023-04-24. Review status: criteria provided, single submitter. Criteria: Invitae Variant Classification Sherloc (09022015). Collection method: clinical testing. Allele origin: germline.
Comment: In summary, the available evidence is currently insufficient to determine the role of this variant in disease. Therefore, it has been classified as a Variant of Uncertain Significance. Advanced modeling of protein sequence and biophysical properties (such as structural, functional, and spatial information, amino acid conservation, physicochemical variation, residue mobility, and thermodynamic stability) performed at Invitae indicates that this missense variant is not expected to disrupt EMC1 protein function. This variant has not been reported in the literature in individuals affected with EMC1-related conditions. This variant is present in population databases (rs774684957, gnomAD 0.007%). This sequence change replaces serine, which is neutral and polar, with asparagine, which is neutral and polar, at codon 716 of the EMC1 protein (p.Ser716Asn).

NM_015047.3(EMC1):c.2147G>A (p.Ser716Asn)

Genes: EMC1 (ER membrane protein complex subunit 1; minus strand), EMC1-AS1 (EMC1 antisense RNA 1; plus strand). Cytogenetic location: 1p36.13.
Variant type: single nucleotide variant.
Coding change: c.2147G>A on transcript NM_015047.3 (MANE Select); coding-DNA position 2147, G replaced by A.
Protein change: p.Ser716Asn; replaces serine 716 with asparagine.
Molecular consequence: missense variant.
Genome position (GRCh38, 1-based): chr1:19,227,368, C>T on the plus strand (G>A on the coding strand, the complement: EMC1 is on the minus strand). VCF-style: chr1-19227368-C-T. GRCh37 (hg19) VCF-style: chr1-19553862-C-T.
Other names: c.2144G>A, p.Ser715Asn (NM_001271427.2, NM_001271428.2); c.2081G>A, p.Ser694Asn (NM_001271429.2); c.2156G>A, p.Ser719Asn (NM_001375820.1); c.2153G>A, p.Ser718Asn (NM_001375821.1); short protein forms S715N, S718N, S716N, S694N, S719N.
Identifiers: ClinVar variation 2858907 (VCV002858907.3), dbSNP rs774684957, ClinGen allele CA652382.